The following is an entry in ClinVar:

ClinVar aggregate classification (germline): Conflicting classifications of pathogenicity. Review status: criteria provided, conflicting classifications (1 of 4 stars). 3 submissions from 3 submitters: Uncertain significance (2); Likely benign (1). Last evaluated 2026-06-01.

Allele frequency attached by ClinVar (database versions not stated): 1000 Genomes Project 0.00100; 1000 Genomes Project 30x 0.00125; gnomAD 0.00137 and 0.00152; ESP Exome Variant Server 0.00168; TOPMed 0.00193.
gnomAD v4.1: 2,831 of 1,613,354 alleles (0.18%); highest among the groups gnomAD compares: Non-Finnish European, 0.21%; 3 homozygotes.

Submissions (3):

CeGaT Center for Human Genetics Tuebingen
Classification: Likely benign. Last evaluated: 2026-06-01. Review status: criteria provided, single submitter. Criteria: CeGaT Center For Human Genetics Tuebingen Variant Classification Criteria Version 2. Collection method: clinical testing. Allele origin: germline. Affected: yes. Observed: 1 variant allele.
Comment: CMYA5: BP4

Illumina Laboratory Services, Illumina
Classification: Uncertain significance. Last evaluated: 2021-09-22. Review status: criteria provided, single submitter. Criteria: ICSLVariantClassificationCriteria RUGD 01 April 2020. Collection method: clinical testing. Allele origin: unknown.
Comment: The CMYA5 c.361G>C (p.Val121Leu) variant is a missense variant. A literature search was performed for the gene, cDNA change, and amino acid change. No publications were found based on this search. This variant is reported at a frequency of 0.01864 in the Amish population of the Genome Aggregation Database (version 3.1.1). Based on the available evidence, the p.Val121Leu variant is classified as a variant of uncertain significance.

Breakthrough Genomics
Classification: Uncertain significance. Review status: criteria provided, single submitter. Criteria: ACMG Guidelines, 2015. Collection method: not provided. Allele origin: germline. Inheritance: Unknown mechanism. Affected: yes.

NM_153610.5(CMYA5):c.361G>C (p.Val121Leu)

Gene: CMYA5 (cardiomyopathy associated 5; plus strand). Cytogenetic location: 5q14.1.
Variant type: single nucleotide variant.
Coding change: c.361G>C on transcript NM_153610.5 (MANE Select); coding-DNA position 361, G replaced by C.
Protein change: p.Val121Leu; replaces valine 121 with leucine.
Molecular consequence: missense variant.
Genome position (GRCh38, 1-based): chr5:79,729,126, G>C. VCF-style: chr5-79729126-G-C. GRCh37 (hg19) VCF-style: chr5-79024949-G-C.
Other names: short protein forms V121L.
Identifiers: ClinVar variation 1299458 (VCV001299458.7), dbSNP rs150802939, ClinGen allele CA3321170.